The following is an entry in ClinVar:

ClinVar aggregate classification (germline): Uncertain significance (1 of 4 stars; one submission).

Conditions:
Leber congenital amaurosis 13 (LCA13). Identifiers: MedGen C2675186, MONDO:0012990, OMIM 612712.

gnomAD v4.1: 1 of 1,612,654 alleles (0.000062%); highest among the groups gnomAD compares: African/African-American, 0.0013%; no homozygotes.

Submission:

Labcorp Genetics (formerly Invitae), Labcorp
Classification: Uncertain significance for Leber congenital amaurosis 13. Last evaluated: 2024-12-15. Review status: criteria provided, single submitter. Criteria: Invitae Variant Classification Sherloc (09022015). Collection method: clinical testing. Allele origin: germline.
Comment: This sequence change falls in intron 3 of the RDH12 gene. It does not directly change the encoded amino acid sequence of the RDH12 protein. It affects a nucleotide within the consensus splice site. This variant is not present in population databases (gnomAD no frequency). This variant has not been reported in the literature in individuals affected with RDH12-related conditions. Variants that disrupt the consensus splice site are a relatively common cause of aberrant splicing (PMID: 17576681, 9536098). Algorithms developed to predict the effect of sequence changes on RNA splicing suggest that this variant may disrupt the consensus splice site. In summary, the available evidence is currently insufficient to determine the role of this variant in disease. Therefore, it has been classified as a Variant of Uncertain Significance.

Literature cited by the submitters: PubMed 17576681; PubMed 9536098.

NM_152443.3(RDH12):c.68+3T>C

Genes: GPHN (gephyrin; plus strand), RDH12 (retinol dehydrogenase 12; plus strand). Cytogenetic location: 14q24.1.
Variant type: single nucleotide variant.
Coding change: c.68+3T>C on transcript NM_152443.3 (MANE Select); 3 bases into the intron after coding-DNA position 68, T replaced by C.
Molecular consequence: intron variant.
Genome position (GRCh38, 1-based): chr14:67,722,713, T>C. VCF-style: chr14-67722713-T-C. GRCh37 (hg19) VCF-style: chr14-68189430-T-C.
Identifiers: ClinVar variation 3618303 (VCV003618303.2).
Genomic context (GRCh38, chr14:67,722,713, plus strand): 5'-CCTTGGGACTGCTCACCTCCTTCTTCTCGTTCCTGTATATGGTAGCTCCATCCATCAGGT[T>C]TGTCTTAATTCAGCAACTCAAACAATCGTTTACAAAGACCTGCACTGGAAGCCGGTTCTC-3'